The following is an entry in ClinVar:

ClinVar aggregate classification (germline): Conflicting classifications of pathogenicity. Review status: criteria provided, conflicting classifications (1 of 4 stars). 11 submissions from 11 submitters: Uncertain significance (2); Benign (3); Likely benign (5). 1 of the submissions does not count toward it. Last evaluated 2026-08-07.

Conditions:
Inborn genetic diseases. Identifiers: MedGen C0950123, MeSH D030342.
VPS13B-related disorder. Also called: VPS13B-related condition.
Cohen syndrome (COH1). Also called: Cutis verticis gyrata, retinitis pigmentosa, and sensorineural deafness; PEPPER SYNDROME. Identifiers: Orphanet 193, MedGen C0265223, MONDO:0008999, OMIM 216550.

Allele frequency attached by ClinVar (database versions not stated): gnomAD exomes 0.00023 and 0.00054; ExAC 0.00062; gnomAD 0.00224 and 0.00243; 1000 Genomes Project 30x 0.00234; TOPMed 0.00234; 1000 Genomes Project 0.00240; ESP Exome Variant Server 0.00269.
gnomAD v4.1: 680 of 1,614,100 alleles (0.042%); highest among the groups gnomAD compares: African/African-American, 0.83%; 2 homozygotes.

Submissions (11):

PreventionGenetics, part of Exact Sciences
Classification: Benign for VPS13B-related condition. Last evaluated: 2026-08-07. Review status: criteria provided, single submitter. Criteria: ACMG Guidelines, 2015. Collection method: clinical testing. Allele origin: germline.
Comment: This variant is classified as benign based on ACMG/AMP sequence variant interpretation guidelines (Richards et al. 2015 PMID: 25741868, with internal and published modifications).

Women's Health and Genetics/Laboratory Corporation of America, LabCorp
Classification: Likely benign. Last evaluated: 2026-01-29. Review status: criteria provided, single submitter. Criteria: LabCorp Variant Classification Summary - May 2015. Collection method: clinical testing. Allele origin: germline.
Comment: Variant summary: VPS13B c.2643A>T (p.Lys881Asn) results in a non-conservative amino acid change in the encoded protein sequence. Algorithms developed to predict the effect of missense changes on protein structure and function are either unavailable or do not agree on the potential impact of this missense change. The variant allele was found at a frequency of 0.00054 in 251474 control chromosomes, predominantly at a frequency of 0.0073 within the African or African-American subpopulation in the gnomAD database, including 1 homozygotes. The observed variant frequency within African or African-American control individuals in the gnomAD database exceeds the estimated maximal expected allele frequency for disease-causing variants in VPS13B. To our knowledge, no occurrence of c.2643A>T in individuals affected with VPS13B-related conditions and no experimental evidence demonstrating its impact on protein function have been reported. ClinVar contains an entry for this variant (Variation ID: 288192). Based on the evidence outlined above, the variant was classified as likely benign.

Labcorp Genetics (formerly Invitae), Labcorp
Classification: Likely benign for Cohen syndrome. Last evaluated: 2026-01-27. Review status: criteria provided, single submitter. Criteria: Invitae Variant Classification Sherloc (09022015). Collection method: clinical testing. Allele origin: germline.

Blueprint Genetics
Classification: Likely benign. Last evaluated: 2024-10-21. Review status: criteria provided, single submitter. Criteria: ACMG Guidelines, 2015. Collection method: clinical testing. Allele origin: germline.

CeGaT Center for Human Genetics Tuebingen
Classification: Likely benign. Last evaluated: 2024-09-01. Review status: criteria provided, single submitter. Criteria: CeGaT Center For Human Genetics Tuebingen Variant Classification Criteria Version 2. Collection method: clinical testing. Allele origin: germline. Affected: yes. Observed: 1 variant allele.
Comment: VPS13B: BS2

Center for Genomics, Ann and Robert H. Lurie Children's Hospital of Chicago
Classification: Uncertain significance for Cohen syndrome. Last evaluated: 2021-03-30. Review status: criteria provided, single submitter. Criteria: ACMG Guidelines, 2015. Collection method: clinical testing. Allele origin: germline.
Comment: VPS13B NM_017890.4 exon 18 p.Lys881Asn (c.2643A>T): This variant has not been reported in the literature but is present in 0.8% (202/24970) of African alleles, including 1 homozygote in the Genome Aggregation Database. This variant is present in ClinVar (Variation ID:288192). Evolutionary conservation suggests that this variant may impact the protein; computational predictive tools for this variant are unclear. In summary, data on this variant is insufficient for disease classification. Therefore, the clinical significance of this variant is uncertain.

Ambry Genetics
Classification: Benign for Inborn genetic diseases. Last evaluated: 2018-02-07. Review status: criteria provided, single submitter. Criteria: Ambry Variant Classification Scheme 2023. Collection method: clinical testing. Allele origin: germline.

Illumina Laboratory Services, Illumina
Classification: Likely benign for Cohen syndrome. Last evaluated: 2018-01-12. Review status: criteria provided, single submitter. Criteria: ICSL Variant Classification Criteria 13 December 2019. Collection method: clinical testing. Allele origin: germline.
Comment: This variant was observed in the ICSL laboratory as part of a predisposition screen in an ostensibly healthy population. It had not been previously curated by ICSL or reported in the Human Gene Mutation Database (HGMD: prior to June 1st, 2018), and was therefore a candidate for classification through an automated scoring system. Utilizing variant allele frequency, disease prevalence and penetrance estimates, and inheritance mode, an automated score was calculated to assess if this variant is too frequent to cause the disease. Based on the score and internal cut-off values, a variant classified as likely benign is not then subjected to further curation. The score for this variant resulted in a classification of likely benign for this disease.

Eurofins Ntd Llc (ga)
Classification: Benign. Last evaluated: 2016-06-21. Review status: criteria provided, single submitter. Criteria: EGL Classification Definitions 2015. Collection method: clinical testing. Allele origin: germline. Observed: 1 variant allele, 1 heterozygote.

Genetic Services Laboratory, University of Chicago
Classification: Uncertain significance. Last evaluated: 2016-04-25. Review status: criteria provided, single submitter. Criteria: ACMG Guidelines, 2015. Collection method: clinical testing. Allele origin: germline. Affected: no.

Natera, Inc.
Classification: Benign for Cohen syndrome. Last evaluated: 2019-10-29. Review status: no assertion criteria provided. Collection method: clinical testing. Allele origin: germline. Not counted in ClinVar's aggregate classification.

NM_152564.5(VPS13B):c.2643A>T (p.Lys881Asn)

Gene: VPS13B (vacuolar protein sorting 13 homolog B; plus strand). Cytogenetic location: 8q22.2.
Variant type: single nucleotide variant.
Coding change: c.2643A>T on transcript NM_152564.5 (MANE Select); coding-DNA position 2643, A replaced by T.
Protein change: p.Lys881Asn; replaces lysine 881 with asparagine.
Molecular consequence: missense variant.
Genome position (GRCh38, 1-based): chr8:99,274,325, A>T. VCF-style: chr8-99274325-A-T. GRCh37 (hg19) VCF-style: chr8-100286553-A-T.
Other names: c.2643A>T, p.Lys881Asn (NM_017890.5); c.2643A>T (NM_152564.4); short protein forms K881N.
Identifiers: ClinVar variation 288192 (VCV000288192.50), dbSNP rs148777544, ClinGen allele CA4822973.